The following is an entry in ClinVar:

NM_001127222.2(CACNA1A):c.5131C>A (p.Gln1711Lys)

Gene: CACNA1A (calcium voltage-gated channel subunit alpha1 A; minus strand). Cytogenetic location: 19p13.13.
Variant type: single nucleotide variant.
Coding change: c.5131C>A on transcript NM_001127222.2 (MANE Select); coding-DNA position 5131, C replaced by A.
Protein change: p.Gln1711Lys; replaces glutamine 1711 with lysine.
Molecular consequence: missense variant.
Genome position (GRCh38, 1-based): chr19:13,235,211, G>T on the plus strand (C>A on the coding strand, the complement: CACNA1A is on the minus strand). VCF-style: chr19-13235211-G-T. GRCh37 (hg19) VCF-style: chr19-13346025-G-T.
Other names: c.5149C>A, p.Gln1717Lys (NM_000068.4, NM_023035.3); c.5134C>A, p.Gln1712Lys (NM_001127221.2); c.5140C>A, p.Gln1714Lys (NM_001174080.2); short protein forms Q1712K, Q1711K, Q1717K, Q1714K.
Identifiers: ClinVar variation 422394 (VCV000422394.3), dbSNP rs1064795751, ClinGen allele CA16620780.

ClinVar aggregate classification (germline): Likely pathogenic (1 of 4 stars; one submission).

Submission:

GeneDx
Classification: Likely pathogenic. Last evaluated: 2024-08-22. Review status: criteria provided, single submitter. Criteria: GeneDx Variant Classification Process June 2021. Collection method: clinical testing. Allele origin: germline. Affected: yes.
Comment: Not observed at significant frequency in large population cohorts (gnomAD); In silico analysis supports that this missense variant has a deleterious effect on protein structure/function; This variant is associated with the following publications: (PMID: 33057194, 35982159)